The following is an entry in ClinVar:

NM_020987.5(ANK3):c.2143G>A (p.Val715Ile)

Gene: ANK3 (ankyrin 3; minus strand). Cytogenetic location: 10q21.2.
Variant type: single nucleotide variant.
Coding change: c.2143G>A on transcript NM_020987.5 (MANE Select); coding-DNA position 2143, G replaced by A.
Protein change: p.Val715Ile; replaces valine 715 with isoleucine.
Molecular consequence: missense variant.
Genome position (GRCh38, 1-based): chr10:60,181,370, C>T on the plus strand (G>A on the coding strand, the complement: ANK3 is on the minus strand). VCF-style: chr10-60181370-C-T. GRCh37 (hg19) VCF-style: chr10-61941128-C-T.
Other names: c.2125G>A, p.Val709Ile (NM_001204403.2); c.2092G>A, p.Val698Ile (NM_001204404.2); c.2143G>A, p.Val715Ile (NM_001320874.2); short protein forms V709I, V715I, V698I.
Identifiers: ClinVar variation 391362 (VCV000391362.3), dbSNP rs1057524054, ClinGen allele CA16606675.
Genomic context (GRCh38, chr10:60,181,370, plus strand): 5'-GCAAGGGAGGGCCGTATACCTTTGTCTGGGCGTCCACATGAGCCCCTTGGTTTACGAGGA[C>T]TTCTGCCACATTCACTCGATCTTCTTGAGCAGCCAAATGGAGTGGGGTCAGGCCGCTCTG-3'
Protein context (NP_066267.2, residues 705-725): AQEDRVNVAE[Val715Ile]LVNQGAHVDA

ClinVar aggregate classification (germline): Uncertain significance (1 of 4 stars; one submission).

Allele frequency attached by ClinVar (database versions not stated): gnomAD exomes 0.00001.
gnomAD v4.1: 8 of 1,614,182 alleles (0.0005%); highest among the groups gnomAD compares: Non-Finnish European, 0.00068%; no homozygotes.

Submission:

GeneDx
Classification: Uncertain significance. Last evaluated: 2019-08-20. Review status: criteria provided, single submitter. Criteria: GeneDx Variant Classification Process June 2021. Collection method: clinical testing. Allele origin: germline. Affected: yes.
Comment: Not observed in large population cohorts (Lek et al., 2016); In silico analysis, which includes protein predictors and evolutionary conservation, supports that this variant does not alter protein structure/function; Has not been previously published as pathogenic or benign to our knowledge